The following is an entry in ClinVar:

NM_014363.6(SACS):c.12028C>T (p.Gln4010Ter)

Gene: SACS (sacsin molecular chaperone; minus strand). Cytogenetic location: 13q12.12.
Variant type: single nucleotide variant.
Coding change: c.12028C>T on transcript NM_014363.6 (MANE Select); coding-DNA position 12028, C replaced by T.
Protein change: p.Gln4010Ter; replaces glutamine 4010 with a stop codon.
Molecular consequence: nonsense.
Genome position (GRCh38, 1-based): chr13:23,331,848, G>A on the plus strand (C>T on the coding strand, the complement: SACS is on the minus strand). VCF-style: chr13-23331848-G-A. GRCh37 (hg19) VCF-style: chr13-23905987-G-A.
Other names: c.11587C>T, p.Gln3863Ter (NM_001278055.2); c.12028C>T (NM_014363.5); short protein forms Q4010*, Q3863*.
Identifiers: ClinVar variation 287692 (VCV000287692.6), dbSNP rs148297332, ClinGen allele CA6910189.

ClinVar aggregate classification (germline): Pathogenic/Likely pathogenic. Review status: criteria provided, multiple submitters, no conflicts (2 of 4 stars). 2 submissions from 2 submitters: Pathogenic (1); Likely pathogenic (1). Last evaluated 2025-11-04.

Conditions:
Charlevoix-Saguenay spastic ataxia (SACS). Also called: SPASTIC ATAXIA 6, AUTOSOMAL RECESSIVE; AUTOSOMAL RECESSIVE SPASTIC ATAXIA OF CHARLEVOIX-SAGUENAY; Spastic ataxia of Charlevoix-Saguenay. Identifiers: Orphanet 98, MedGen C1849140, MONDO:0010041, OMIM 270550.

Allele frequency attached by ClinVar (database versions not stated): ESP Exome Variant Server 0.00008; TOPMed below 0.00001; ExAC 0.00001.
gnomAD v4.1: 4 of 1,613,964 alleles (0.00025%); highest among the groups gnomAD compares: Non-Finnish European, 0.00034%; no homozygotes.

Submissions (2):

Natera, Inc.
Classification: Likely pathogenic for Charlevoix-Saguenay type spastic ataxia. Last evaluated: 2025-11-04. Review status: criteria provided, single submitter. Criteria: Natera Variant Classification Schema (03/2026). Collection method: clinical testing. Allele origin: germline.
Comment: The c.12028C>T variant in SACS is a nonsense variant predicted to introduce a stop codon at amino acid 4010. This variant is expected to result in nonsense mediated decay, truncation, or a dysfunctional protein product. This variant is rare in the general population with a frequency below the threshold expected for the associated phenotype(s). This variant has been observed in one or more individuals affected with the associated recessive disease, as either homozygous or compound heterozygous with a second variant (PMID: 29538656, 24030952). Given the available evidence, this variant is classified as Likely Pathogenic.

Eurofins Ntd Llc (ga)
Classification: Pathogenic. Last evaluated: 2016-04-15. Review status: criteria provided, single submitter. Criteria: EGL Classification Definitions 2015. Collection method: clinical testing. Allele origin: germline. Observed: 1 variant allele, 1 heterozygote.

Literature cited by the submitters: PubMed 29538656 (cited by Natera, Inc.); PubMed 24030952 (cited by Natera, Inc.).